The following is an entry in ClinVar:

ClinVar aggregate classification (germline): Benign/Likely benign. Review status: criteria provided, multiple submitters, no conflicts (2 of 4 stars). 4 submissions from 4 submitters: Benign (3); Likely benign (1). Last evaluated 2024-08-12.

Allele frequency attached by ClinVar (database versions not stated): gnomAD exomes 0.00011 and 0.00034; ExAC 0.00044; gnomAD 0.00117 and 0.00120; TOPMed 0.00122; 1000 Genomes Project 0.00140; 1000 Genomes Project 30x 0.00141; ESP Exome Variant Server 0.00192.
gnomAD v4.1: 335 of 1,614,202 alleles (0.021%); highest among the groups gnomAD compares: African/African-American, 0.41%; no homozygotes.

Submissions (4):

Blueprint Genetics
Classification: Benign. Last evaluated: 2024-08-12. Review status: criteria provided, single submitter. Criteria: ACMG Guidelines, 2015. Collection method: clinical testing. Allele origin: germline.

Women's Health and Genetics/Laboratory Corporation of America, LabCorp
Classification: Benign. Last evaluated: 2017-10-23. Review status: criteria provided, single submitter. Criteria: LabCorp Variant Classification Summary - May 2015. Collection method: clinical testing. Allele origin: germline.
Comment: Variant summary: The MYH6 c.*8T>C variant involves the alteration of a non-conserved nucleotide in the 3' UTR. This variant was found in 109/277228 control chromosomes, predominantly observed in the African subpopulation at a frequency of 0.004411 (106/24030). This frequency is about 176 times the estimated maximal expected allele frequency of a pathogenic MYH6 variant (0.000025), suggesting this is likely a benign polymorphism found primarily in the populations of African origin. In addition, multiple clinical diagnostic laboratories classified this variant as likely benign/benign. The variant of interest has not, to our knowledge, been reported in affected individuals via publications. Taken together, this variant is classified as benign.

GeneDx
Classification: Benign. Last evaluated: 2016-11-18. Review status: criteria provided, single submitter. Criteria: GeneDx Variant Classification (06012015). Collection method: clinical testing. Allele origin: germline. Affected: yes.
Comment: This variant is considered likely benign or benign based on one or more of the following criteria: it is a conservative change, it occurs at a poorly conserved position in the protein, it is predicted to be benign by multiple in silico algorithms, and/or has population frequency not consistent with disease.

Laboratory for Molecular Medicine, Mass General Brigham Personalized Medicine
Classification: Likely benign. Last evaluated: 2015-10-30. Review status: criteria provided, single submitter. Criteria: LMM Criteria. Collection method: clinical testing. Allele origin: germline. Observed: 4 variant alleles.
Comment: c.*8T>C in the 3' UTR of MYH6: This variant is not expected to have clinical si gnificance because it has been identified in 0.5% (53/10406) of African chromoso mes by the Exome Aggregation Constortium (ExAC; dbSNP rs201560522).

NM_002471.4(MYH6):c.*8T>C

Gene: MYH6 (myosin heavy chain 6; minus strand). Cytogenetic location: 14q11.2.
Variant type: single nucleotide variant.
Coding change: c.*8T>C on transcript NM_002471.4 (MANE Select); 8 bases downstream of the stop codon, T replaced by C.
Molecular consequence: 3 prime UTR variant.
Genome position (GRCh38, 1-based): chr14:23,382,032, A>G on the plus strand (T>C on the coding strand, the complement: MYH6 is on the minus strand). VCF-style: chr14-23382032-A-G. GRCh37 (hg19) VCF-style: chr14-23851241-A-G.
Identifiers: ClinVar variation 177988 (VCV000177988.6), dbSNP rs201560522, ClinGen allele CA181130.